The following is an entry in ClinVar:

ClinVar aggregate classification (germline): Uncertain significance. Review status: criteria provided, multiple submitters, no conflicts (2 of 4 stars). 2 submissions from 2 submitters: Uncertain significance (2). Last evaluated 2025-03-22.

Conditions:
Inborn genetic diseases. Identifiers: MedGen C0950123, MeSH D030342.

gnomAD v4.1: 32 of 1,614,022 alleles (0.002%); highest among the groups gnomAD compares: Non-Finnish European, 0.0027%; no homozygotes.

Submissions (2):

Ambry Genetics
Classification: Uncertain significance for Inborn genetic diseases. Last evaluated: 2025-03-22. Review status: criteria provided, single submitter. Criteria: Ambry Variant Classification Scheme 2023. Collection method: clinical testing. Allele origin: germline.

Mayo Clinic Laboratories, Mayo Clinic
Classification: Uncertain significance. Last evaluated: 2024-01-31. Review status: criteria provided, single submitter. Criteria: ACMG Guidelines, 2015. Collection method: clinical testing. Allele origin: germline. Observed: 1 variant allele.
Comment: BP4

NM_005070.4(SLC4A3):c.1144G>A (p.Ala382Thr)

Gene: SLC4A3 (solute carrier family 4 member 3; plus strand). Cytogenetic location: 2q35.
Variant type: single nucleotide variant.
Coding change: c.1144G>A on transcript NM_005070.4 (MANE Select); coding-DNA position 1144, G replaced by A.
Protein change: p.Ala382Thr; replaces alanine 382 with threonine.
Molecular consequence: missense variant. On other transcripts: non-coding transcript variant (1).
Genome position (GRCh38, 1-based): chr2:219,632,876, G>A. VCF-style: chr2-219632876-G-A. GRCh37 (hg19) VCF-style: chr2-220497598-G-A.
Other names: p.Ala409Thr; c.1225G>A, p.Ala409Thr (NM_001326559.2, NM_201574.3); short protein forms A382T, A409T.
Identifiers: ClinVar variation 3379428 (VCV003379428.2).
Genomic context (GRCh38, chr2:219,632,876, plus strand): 5'-AGGAGATTTTTCCTGTCTGATGGGACTGTGCCCTCTCTGTGCCTGACTGTCCCCCTAGGA[G>A]CTGCCCTCCTGGACCTGGAGCAAACCACCCTGCCAGGCATTGCACACCTCGTGGTGGAGA-3'
Protein context (NP_005061.3, residues 372-392): LELRRTIAHG[Ala382Thr]ALLDLEQTTL